The following is an entry in ClinVar:

ClinVar aggregate classification (germline): Benign/Likely benign. Review status: criteria provided, multiple submitters, no conflicts (2 of 4 stars). 10 submissions from 9 submitters: Benign (8); Likely benign (2). Last evaluated 2026-02-03.

Conditions:
Autosomal dominant cerebellar ataxia. Also called: Spinocerebellar Ataxia, Dominant. Identifiers: Orphanet 99, MedGen C4087347, MONDO:0020380.
Charcot-Marie-Tooth disease. Also called: Charcot-Marie-Tooth Neuropathy; Charcot-Marie-Tooth Hereditary Neuropathy. Identifiers: Orphanet 166, MedGen C0007959, MONDO:0015626.
Charcot-Marie-Tooth disease axonal type 2O. Also called: Charcot-Marie-Tooth Neuropathy Type 2O; Charcot-Marie-Tooth disease, axonal, type 20; CHARCOT-MARIE-TOOTH NEUROPATHY, AXONAL, TYPE 2O; CHARCOT-MARIE-TOOTH DISEASE, AXONAL, AUTOSOMAL DOMINANT, TYPE 2O. Identifiers: Orphanet 284232, MedGen C3280220, MONDO:0013644, OMIM 614228.

Allele frequency attached by ClinVar (database versions not stated): gnomAD exomes 0.00030 and 0.00075; ExAC 0.00091; 1000 Genomes Project 30x 0.00265; 1000 Genomes Project 0.00280; gnomAD 0.00300 and 0.00332; TOPMed 0.00364; ESP Exome Variant Server 0.00446.
gnomAD v4.1: 912 of 1,614,090 alleles (0.057%); highest among the groups gnomAD compares: African/African-American, 1%; 6 homozygotes.

Submissions (10):

Labcorp Genetics (formerly Invitae), Labcorp
Classification: Benign for Charcot-Marie-Tooth disease axonal type 2O. Last evaluated: 2026-02-03. Review status: criteria provided, single submitter. Criteria: Invitae Variant Classification Sherloc (09022015). Collection method: clinical testing. Allele origin: germline.

CeGaT Center for Human Genetics Tuebingen
Classification: Likely benign. Last evaluated: 2026-01-01. Review status: criteria provided, single submitter. Criteria: CeGaT Center For Human Genetics Tuebingen Variant Classification Criteria Version 2. Collection method: clinical testing. Allele origin: germline. Affected: yes. Observed: 1 variant allele.
Comment: DYNC1H1: BS1

ARUP Laboratories, Molecular Genetics and Genomics, ARUP Laboratories
Classification: Benign. Last evaluated: 2025-05-22. Review status: criteria provided, single submitter. Criteria: ARUP Molecular Germline Variant Investigation Process 2024. Collection method: clinical testing. Allele origin: germline.

Blueprint Genetics
Classification: Likely benign. Last evaluated: 2024-09-04. Review status: criteria provided, single submitter. Criteria: ACMG Guidelines, 2015. Collection method: clinical testing. Allele origin: germline.

Athena Diagnostics
Classification: Benign. Last evaluated: 2024-07-05. Review status: criteria provided, single submitter. Criteria: Athena Diagnostics Criteria. Collection method: clinical testing. Allele origin: unknown.

GeneDx
Classification: Benign. Last evaluated: 2018-05-03. Review status: criteria provided, single submitter. Criteria: GeneDx Variant Classification Process June 2021. Collection method: clinical testing. Allele origin: germline. Affected: yes.

Illumina Laboratory Services, Illumina
Classification: Benign for Charcot-Marie-Tooth disease axonal type 2O. Last evaluated: 2018-01-12. Review status: criteria provided, single submitter. Criteria: ICSL Variant Classification Criteria 13 December 2019. Collection method: clinical testing. Allele origin: germline.
Comment: This variant was observed in the ICSL laboratory as part of a predisposition screen in an ostensibly healthy population. It had not been previously curated by ICSL or reported in the Human Gene Mutation Database (HGMD: prior to June 1st, 2018), and was therefore a candidate for classification through an automated scoring system. Utilizing variant allele frequency, disease prevalence and penetrance estimates, and inheritance mode, an automated score was calculated to assess if this variant is too frequent to cause the disease. Based on the score and internal cut-off values, a variant classified as benign is not then subjected to further curation. The score for this variant resulted in a classification of benign for this disease.

Illumina Laboratory Services, Illumina
Classification: Benign for Spinocerebellar Ataxia, Dominant. Last evaluated: 2018-01-12. Review status: criteria provided, single submitter. Criteria: ICSL Variant Classification Criteria 13 December 2019. Collection method: clinical testing. Allele origin: germline.
Comment: the same text as in the submission from Illumina Laboratory Services, Illumina above.

Genetic Services Laboratory, University of Chicago
Classification: Benign. Last evaluated: 2015-10-20. Review status: criteria provided, single submitter. Criteria: ACMG Guidelines, 2015. Collection method: clinical testing. Allele origin: germline. Affected: no.

Molecular Genetics Laboratory, London Health Sciences Centre
Classification: Benign for Charcot-Marie-Tooth disease. Review status: criteria provided, single submitter. Criteria: ACMG Guidelines, 2015. Collection method: clinical testing. Allele origin: germline. Affected: yes.

NM_001376.5(DYNC1H1):c.13219-9C>T

Gene: DYNC1H1 (dynein cytoplasmic 1 heavy chain 1; plus strand). Cytogenetic location: 14q32.31.
Variant type: single nucleotide variant.
Coding change: c.13219-9C>T on transcript NM_001376.5 (MANE Select); 9 bases into the intron before coding-DNA position 13219, C replaced by T.
Molecular consequence: intron variant.
Genome position (GRCh38, 1-based): chr14:102,048,507, C>T. VCF-style: chr14-102048507-C-T. GRCh37 (hg19) VCF-style: chr14-102514844-C-T.
Identifiers: ClinVar variation 312663 (VCV000312663.29), dbSNP rs17541650, ClinGen allele CA7354184.